The following is an entry in ClinVar:

NM_006019.4(TCIRG1):c.1554+1G>A

Gene: TCIRG1 (T cell immune regulator 1, ATPase H+ transporting V0 subunit a3; plus strand). Cytogenetic location: 11q13.2.
Variant type: single nucleotide variant.
Coding change: c.1554+1G>A on transcript NM_006019.4 (MANE Select); the canonical splice donor site of the intron after coding-DNA position 1554, G replaced by A.
Molecular consequence: splice donor variant.
Genome position (GRCh38, 1-based): chr11:68,047,973, G>A. VCF-style: chr11-68047973-G-A. GRCh37 (hg19) VCF-style: chr11-67815440-G-A.
Other names: c.660+1G>A (NM_001351059.2); c.906+1G>A (NM_006053.4).
Identifiers: ClinVar variation 2679137 (VCV002679137.3), dbSNP rs1439348400, ClinGen allele CA381584691.
Genomic context (GRCh38, chr11:68,047,973, plus strand): 5'-ACCCTGGATCCCAACGTCACCGGTGTCTTCCTGGGACCCTACCCCTTTGGCATCGATCCT[G>A]TGAGTCCTGGGATGGAGTGTCCGTGGGTGGTGAAGGCAGCTGGGAGTGGGGGCTGGGGCT-3'

ClinVar aggregate classification (germline): Likely pathogenic. Review status: criteria provided, multiple submitters, no conflicts (2 of 4 stars). 2 submissions from 2 submitters: Likely pathogenic (2). Last evaluated 2026-05-05.

Conditions:
Autosomal recessive osteopetrosis 1. Also called: ALBERS-SCHONBERG DISEASE, AUTOSOMAL RECESSIVE; TCIRG1-Related Osteopetrosis; TCIRG1-Related Autosomal Recessive Osteopetrosis. Identifiers: Orphanet 667, MedGen C1850127, MONDO:0009815, OMIM 259700.

gnomAD v4.1: 1 of 1,613,412 alleles (0.000062%); highest among the groups gnomAD compares: Non-Finnish European, 0.000085%; no homozygotes.

Submissions (2):

Myriad Genetics, Inc.
Classification: Likely pathogenic for Autosomal recessive osteopetrosis 1. Last evaluated: 2026-05-05. Review status: criteria provided, single submitter. Criteria: Myriad Autosomal Dominant, Autosomal Recessive and X-Linked Classification Criteria (2023). Collection method: clinical testing. Allele origin: unknown.
Comment: NM_006019.3(TCIRG1):c.1554+1G>A is a variant in a canonical splice site classified as likely pathogenic in the context of autosomal recessive osteopetrosis type 1. c.1554+1G>A has not been observed in cases with relevant disease. Relevant functional assessments of this variant are not available in the literature. c.1554+1G>A has not been observed in referenced population frequency databases. In summary, NM_006019.3(TCIRG1):c.1554+1G>A is a variant in a canonical splice site in a gene where loss of function is a known mechanism of disease and is predicted to disrupt protein function. Please note: this variant was assessed in the context of healthy population screening.

Baylor Genetics
Classification: Likely pathogenic for Autosomal recessive osteopetrosis 1. Last evaluated: 2023-12-28. Review status: criteria provided, single submitter. Criteria: ACMG Guidelines, 2015. Collection method: clinical testing. Allele origin: unknown.